The following is an entry in ClinVar:

NM_015909.4(NBAS):c.3931+3G>A

Gene: NBAS (NBAS subunit of NRZ tethering complex; minus strand). Cytogenetic location: 2p24.3.
Variant type: single nucleotide variant.
Coding change: c.3931+3G>A on transcript NM_015909.4 (MANE Select); 3 bases into the intron after coding-DNA position 3931, G replaced by A.
Molecular consequence: intron variant.
Genome position (GRCh38, 1-based): chr2:15,356,300, C>T on the plus strand (G>A on the coding strand, the complement: NBAS is on the minus strand). VCF-style: chr2-15356300-C-T. GRCh37 (hg19) VCF-style: chr2-15496424-C-T.
Identifiers: ClinVar variation 1502970 (VCV001502970.3), dbSNP rs375073805, ClinGen allele CA1535856.

ClinVar aggregate classification (germline): Uncertain significance (1 of 4 stars; one submission).

Allele frequency attached by ClinVar (database versions not stated): TOPMed 0.00002; gnomAD 0.00001; ExAC 0.00002; ESP Exome Variant Server 0.00008; gnomAD exomes 0.00002.
gnomAD v4.1: 23 of 1,609,376 alleles (0.0014%); highest among the groups gnomAD compares: Non-Finnish European, 0.0019%; no homozygotes.

Submission:

Labcorp Genetics (formerly Invitae), Labcorp
Classification: Uncertain significance. Last evaluated: 2022-04-09. Review status: criteria provided, single submitter. Criteria: Invitae Variant Classification Sherloc (09022015). Collection method: clinical testing. Allele origin: germline.
Comment: This sequence change falls in intron 33 of the NBAS gene. It does not directly change the encoded amino acid sequence of the NBAS protein. It affects a nucleotide within the consensus splice site. This variant is present in population databases (rs375073805, gnomAD 0.003%). This variant has not been reported in the literature in individuals affected with NBAS-related conditions. Variants that disrupt the consensus splice site are a relatively common cause of aberrant splicing (PMID: 17576681, 9536098). Algorithms developed to predict the effect of sequence changes on RNA splicing suggest that this variant is not likely to affect RNA splicing. In summary, the available evidence is currently insufficient to determine the role of this variant in disease. Therefore, it has been classified as a Variant of Uncertain Significance.

Literature cited by the submitters: PubMed 17576681; PubMed 9536098.